The following is an entry in ClinVar:

ClinVar aggregate classification (germline): Uncertain significance (1 of 4 stars; one submission).

Conditions:
Epilepsy, familial focal, with variable foci 3 (FFEVF3). Identifiers: MedGen C4310708, MONDO:0014925, OMIM 617118.

Allele frequency attached by ClinVar (database versions not stated): gnomAD exomes below 0.00001.
gnomAD v4.1: 1 of 1,612,758 alleles (0.000062%); highest among the groups gnomAD compares: Non-Finnish European, 0.000085%; no homozygotes.

Submission:

Labcorp Genetics (formerly Invitae), Labcorp
Classification: Uncertain significance for Epilepsy, familial focal, with variable foci 3. Last evaluated: 2025-06-03. Review status: criteria provided, single submitter. Criteria: Invitae Variant Classification Sherloc (09022015). Collection method: clinical testing. Allele origin: germline.
Comment: This sequence change replaces histidine, which is basic and polar, with arginine, which is basic and polar, at codon 259 of the NPRL3 protein (p.His259Arg). This variant is not present in population databases (gnomAD no frequency). This variant has not been reported in the literature in individuals affected with NPRL3-related conditions. ClinVar contains an entry for this variant (Variation ID: 937127). Invitae Evidence Modeling of protein sequence and biophysical properties (such as structural, functional, and spatial information, amino acid conservation, physicochemical variation, residue mobility, and thermodynamic stability) indicates that this missense variant is expected to disrupt NPRL3 protein function with a positive predictive value of 80%. In summary, the available evidence is currently insufficient to determine the role of this variant in disease. Therefore, it has been classified as a Variant of Uncertain Significance.

NM_001077350.3(NPRL3):c.776A>G (p.His259Arg)

Genes: HBA-LCR (alpha-globin locus control region; plus strand), NPRL3 (NPR3 like, GATOR1 complex subunit; minus strand). Cytogenetic location: 16p13.3.
Variant type: single nucleotide variant.
Coding change: c.776A>G on transcript NM_001077350.3 (MANE Select); coding-DNA position 776, A replaced by G.
Protein change: p.His259Arg; replaces histidine 259 with arginine.
Molecular consequence: missense variant.
Genome position (GRCh38, 1-based): chr16:98,293, T>C on the plus strand (A>G on the coding strand, the complement: NPRL3 is on the minus strand). VCF-style: chr16-98293-T-C. GRCh37 (hg19) VCF-style: chr16-148291-T-C.
Other names: c.701A>G, p.His234Arg (NM_001243248.2, NM_001243249.2); c.239A>G, p.His80Arg (NM_001039476.3); c.542A>G, p.His181Arg (NM_001243247.2); short protein forms H80R, H234R, H259R, H181R.
Identifiers: ClinVar variation 937127 (VCV000937127.9), dbSNP rs1899109777, ClinGen allele CA394055908.